The following is an entry in ClinVar:

ClinVar aggregate classification (germline): Pathogenic (1 of 4 stars; one submission).

Conditions:
Multiple endocrine neoplasia, type 2 (MEN2). Identifiers: Orphanet 653, MedGen C4048306, MONDO:0019003. Disease mechanism: gain of function.

Submission:

Labcorp Genetics (formerly Invitae), Labcorp
Classification: Pathogenic for Multiple endocrine neoplasia, type 2. Last evaluated: 2022-02-09. Review status: criteria provided, single submitter. Criteria: Invitae Variant Classification Sherloc (09022015). Collection method: clinical testing. Allele origin: germline.
Comment: This missense change has been observed in individual(s) with multiple endocrine neoplasia type 2 (PMID: 7824936, 8103403, 8570194, 8765374, 11987030, 15472167, 21810974, 22900816, 23617071, 23861463, 24784869, 25027091, 25515555, 27539324, 27698838). In at least one individual the variant was observed to be de novo. Information on the frequency of this variant in the gnomAD database is not available, as this variant may be reported differently in the database. This sequence change replaces cysteine, which is neutral and slightly polar, with arginine, which is basic and polar, at codon 634 of the RET protein (p.Cys634Arg). Experimental studies and prediction algorithms are not available or were not evaluated, and the functional significance of this variant is currently unknown. For these reasons, this variant has been classified as Pathogenic. This variant disrupts the p.Cys634 amino acid residue in RET. Other variant(s) that disrupt this residue have been determined to be pathogenic (Invitae). This suggests that this residue is clinically significant, and that variants that disrupt this residue are likely to be disease-causing.

Literature cited by the submitters: PubMed 7824936; PubMed 8103403; PubMed 8570194; PubMed 8765374; PubMed 11987030; PubMed 15472167; PubMed 21810974; PubMed 22900816; PubMed 23617071; PubMed 23861463; PubMed 24784869; PubMed 25027091; PubMed 25515555; PubMed 27539324; PubMed 27698838.

NM_020975.6(RET):c.1899_1900delinsTC (p.Cys634Arg)

Gene: RET (ret proto-oncogene; plus strand). Cytogenetic location: 10q11.21.
Variant type: Indel.
Coding change: c.1899_1900delinsTC on transcript NM_020975.6 (MANE Select); coding-DNA positions 1899 to 1900, GT replaced by TC.
Protein change: p.Cys634Arg; replaces cysteine 634 with arginine.
Molecular consequence: missense variant. On other transcripts: intron variant (4).
Genome position (GRCh38, 1-based): chr10:43,114,499-43,114,500, GT replaced by TC. VCF-style: chr10-43114499-GT-TC. GRCh37 (hg19) VCF-style: chr10-43609947-GT-TC.
Other names: c.1899_1900delGTinsTC, p.Cys634Arg (NM_000323.2, NM_020629.2); c.1137_1138delinsTC, p.Cys380Arg (NM_001355216.2); c.1899_1900delinsTC, p.Cys634Arg (NM_001406743.1, NM_001406744.1, NM_001406759.1 and 2 more transcripts); c.1770_1771delinsTC, p.Cys591Arg (NM_001406761.1, NM_001406762.1, NM_001406764.1); c.1611_1612delinsTC, p.Cys538Arg (NM_001406766.1, NM_001406767.1, NM_001406770.1); c.1503_1504delinsTC, p.Cys502Arg (NM_001406769.1, NM_001406772.1); c.1461_1462delinsTC, p.Cys488Arg (NM_001406771.1, NM_001406773.1); c.1374_1375delinsTC, p.Cys459Arg (NM_001406774.1); and 11 more; short protein forms C304R, C392R, C239R, C335R, C459R, C488R, C591R, C151R.
Identifiers: ClinVar variation 2779200 (VCV002779200.2), dbSNP rs2538494024, ClinGen allele CA2739265341.
Genomic context (GRCh38, chr10:43,114,499, plus strand): 5'-GCCTCTGGCGGTGCCAAGCCTCACACCACCCCCACCCACAGATCCACTGTGCGACGAGCT[GT>TC]GCCGCACGGTGATCGCAGCCGCTGTCCTCTTCTCCTTCATCGTCTCGGTGCTGCTGTCTG-3'
Protein context (NP_066124.1, residues 624-644): DIQDPLCDEL[Cys634Arg]RTVIAAAVLF